The following is an entry in ClinVar:

NM_198576.4(AGRN):c.5179G>T (p.Val1727Phe)

Genes: AGRN (agrin; plus strand), LOC129929078 (ATAC-STARR-seq lymphoblastoid silent region 24; plus strand). Cytogenetic location: 1p36.33.
Variant type: single nucleotide variant.
Coding change: c.5179G>T on transcript NM_198576.4 (MANE Select); coding-DNA position 5179, G replaced by T.
Protein change: p.Val1727Phe; replaces valine 1727 with phenylalanine.
Molecular consequence: missense variant.
Genome position (GRCh38, 1-based): chr1:1,050,763, G>T. VCF-style: chr1-1050763-G-T. GRCh37 (hg19) VCF-style: chr1-986143-G-T.
Other names: c.5179G>T, p.Val1727Phe (NM_001305275.2); c.4864G>T, p.Val1622Phe (NM_001364727.2); short protein forms V1727F, V1622F.
Identifiers: ClinVar variation 126555 (VCV000126555.9), dbSNP rs587777298, ClinGen allele CA151196.

ClinVar aggregate classification (germline): Likely pathogenic. Review status: criteria provided, single submitter (1 of 4 stars). 3 submissions from 3 submitters: Likely pathogenic (1). 2 of the submissions do not count toward it. Last evaluated 2022-06-14.

Conditions:
Congenital myasthenic syndrome 8. Also called: MYASTHENIC SYNDROME, CONGENITAL, DUE TO AGRIN DEFICIENCY; Myasthenic syndrome, congenital, 8, with pre- and postsynaptic defects. Identifiers: Orphanet 590, MedGen C3808739, MONDO:0014052, OMIM 615120.
Congenital myasthenic syndrome (CMS). Also called: Congenital Myasthenic Syndromes. Identifiers: Orphanet 590, MedGen C0751882, MeSH D020294, MONDO:0018940.

Allele frequency attached by ClinVar (database versions not stated): TOPMed below 0.00001.

Submissions (3):

Labcorp Genetics (formerly Invitae), Labcorp
Classification: Likely pathogenic for Congenital myasthenic syndrome 8. Last evaluated: 2022-06-14. Review status: criteria provided, single submitter. Criteria: Invitae Variant Classification Sherloc (09022015). Collection method: clinical testing. Allele origin: germline.
Comment: ClinVar contains an entry for this variant (Variation ID: 126555). In summary, the currently available evidence indicates that the variant is pathogenic, but additional data are needed to prove that conclusively. Therefore, this variant has been classified as Likely Pathogenic. Experimental studies have shown that this missense change affects AGRN function (PMID: 22205389, 30994901). Algorithms developed to predict the effect of missense changes on protein structure and function are either unavailable or do not agree on the potential impact of this missense change (SIFT: "Deleterious"; PolyPhen-2: "Probably Damaging"; Align-GVGD: "Class C0"). This missense change has been observed in individual(s) with congenital myasthenic syndrome (PMID: 22205389, 33756069). In at least one individual the data is consistent with being in trans (on the opposite chromosome) from a pathogenic variant. This variant is not present in population databases (gnomAD no frequency). This sequence change replaces valine, which is neutral and non-polar, with phenylalanine, which is neutral and non-polar, at codon 1727 of the AGRN protein (p.Val1727Phe).

OMIM
Classification: Pathogenic for MYASTHENIC SYNDROME, CONGENITAL, 8. Last evaluated: 2012-07-01. Review status: no assertion criteria provided. Collection method: literature only. Allele origin: germline. Not counted in ClinVar's aggregate classification.

GeneReviews
No classification provided. Condition: Congenital myasthenic syndrome. Review status: no classification provided. Collection method: literature only. Allele origin: germline. Affected: yes. Not counted in ClinVar's aggregate classification.

Literature cited by the submitters: PubMed 22205389 (cited by 3 submitters); PubMed 30994901 (cited by Labcorp Genetics (formerly Invitae), Labcorp and OMIM); PubMed 33756069 (cited by Labcorp Genetics (formerly Invitae), Labcorp); NCBI Bookshelf NBK1168 (cited by GeneReviews).